The following is an entry in ClinVar:

NM_001166412.2(SMOC2):c.512-30C>T

Gene: SMOC2 (SPARC related modular calcium binding 2; plus strand). Cytogenetic location: 6q27.
Variant type: single nucleotide variant.
Coding change: c.512-30C>T on transcript NM_001166412.2 (MANE Select); 30 bases into the intron before coding-DNA position 512, C replaced by T.
Molecular consequence: intron variant. On other transcripts: missense variant (1).
Genome position (GRCh38, 1-based): chr6:168,547,089, C>T. VCF-style: chr6-168547089-C-T. GRCh37 (hg19) VCF-style: chr6-168947769-C-T.
Other names: c.515C>T, p.Ser172Phe (NM_022138.3); short protein forms S172F.
Identifiers: ClinVar variation 2139897 (VCV002139897.4), dbSNP rs758780266, ClinGen allele CA4102159.

ClinVar aggregate classification (germline): Uncertain significance (1 of 4 stars; one submission).

Allele frequency attached by ClinVar (database versions not stated): TOPMed 0.00001; ExAC 0.00002; gnomAD exomes 0.00002.
gnomAD v4.1: 26 of 1,614,038 alleles (0.0016%); highest among the groups gnomAD compares: Non-Finnish European, 0.0022%; no homozygotes.

Submission:

Labcorp Genetics (formerly Invitae), Labcorp
Classification: Uncertain significance. Last evaluated: 2022-08-12. Review status: criteria provided, single submitter. Criteria: Invitae Variant Classification Sherloc (09022015). Collection method: clinical testing. Allele origin: germline.
Comment: This variant has not been reported in the literature in individuals affected with SMOC2-related conditions. In summary, the available evidence is currently insufficient to determine the role of this variant in disease. Therefore, it has been classified as a Variant of Uncertain Significance. Algorithms developed to predict the effect of missense changes on protein structure and function are either unavailable or do not agree on the potential impact of this missense change (SIFT: "Deleterious"; PolyPhen-2: "Benign"; Align-GVGD: "Class C0"). This variant is present in population databases (rs758780266, gnomAD 0.003%). This sequence change replaces serine, which is neutral and polar, with phenylalanine, which is neutral and non-polar, at codon 172 of the SMOC2 protein (p.Ser172Phe).